The following is an entry in ClinVar:

NM_003070.5(SMARCA2):c.3466G>A (p.Ala1156Thr)

Gene: SMARCA2 (SWI/SNF related BAF chromatin remodeling complex subunit ATPase 2; plus strand). Cytogenetic location: 9p24.3.
Variant type: single nucleotide variant.
Coding change: c.3466G>A on transcript NM_003070.5 (MANE Select); coding-DNA position 3466, G replaced by A.
Protein change: p.Ala1156Thr; replaces alanine 1156 with threonine.
Molecular consequence: missense variant.
Genome position (GRCh38, 1-based): chr9:2,115,831, G>A. VCF-style: chr9-2115831-G-A. GRCh37 (hg19) VCF-style: chr9-2115831-G-A.
Other names: c.3466G>A, p.Ala1156Thr (NM_001289396.2, NM_139045.4); c.3292G>A, p.Ala1098Thr (NM_001289397.2); short protein forms A1098T, A1156T.
Identifiers: ClinVar variation 2412962 (VCV002412962.3), dbSNP rs2537404214, ClinGen allele CA372788607.

ClinVar aggregate classification (germline): Pathogenic (1 of 4 stars; one submission).

Submission:

GeneDx
Classification: Pathogenic. Last evaluated: 2023-01-24. Review status: criteria provided, single submitter. Criteria: GeneDx Variant Classification Process June 2021. Collection method: clinical testing. Allele origin: germline. Affected: yes.
Comment: Not observed at significant frequency in large population cohorts (gnomAD); In silico analysis supports that this missense variant has a deleterious effect on protein structure/function; Has not been previously published as pathogenic or benign to our knowledge